The following is an entry in ClinVar:

NM_021072.4(HCN1):c.1970C>T (p.Thr657Ile)

Gene: HCN1 (hyperpolarization activated cyclic nucleotide gated potassium channel 1; minus strand). Cytogenetic location: 5p12.
Variant type: single nucleotide variant.
Coding change: c.1970C>T on transcript NM_021072.4 (MANE Select); coding-DNA position 1970, C replaced by T.
Protein change: p.Thr657Ile; replaces threonine 657 with isoleucine.
Molecular consequence: missense variant.
Genome position (GRCh38, 1-based): chr5:45,262,624, G>A on the plus strand (C>T on the coding strand, the complement: HCN1 is on the minus strand). VCF-style: chr5-45262624-G-A. GRCh37 (hg19) VCF-style: chr5-45262726-G-A.
Other names: short protein forms T657I.
Identifiers: ClinVar variation 2501542 (VCV002501542.1), dbSNP rs1293402226, ClinGen allele CA359704318.

ClinVar aggregate classification (germline): Uncertain significance (1 of 4 stars; one submission).

Allele frequency attached by ClinVar (database versions not stated): gnomAD 0.00001.
gnomAD v4.1: 1 of 1,613,842 alleles (0.000062%); highest among the groups gnomAD compares: Non-Finnish European, 0.000085%; no homozygotes.

Submission:

GeneDx
Classification: Uncertain significance. Last evaluated: 2022-11-08. Review status: criteria provided, single submitter. Criteria: GeneDx Variant Classification Process June 2021. Collection method: clinical testing. Allele origin: germline. Affected: yes.
Comment: In silico analysis supports that this missense variant does not alter protein structure/function; Has not been previously published as pathogenic or benign to our knowledge